The following is an entry in ClinVar:

ClinVar aggregate classification (germline): Likely benign (1 of 4 stars; one submission).

Submission:

CeGaT Center for Human Genetics Tuebingen
Classification: Likely benign. Last evaluated: 2026-02-01. Review status: criteria provided, single submitter. Criteria: CeGaT Center For Human Genetics Tuebingen Variant Classification Criteria Version 2. Collection method: clinical testing. Allele origin: germline. Affected: yes. Observed: 1 variant allele.
Comment: MDC1: BP4, BP7

NM_014641.3(MDC1):c.3645C>A (p.Thr1215=)

Genes: MDC1 (mediator of DNA damage checkpoint 1; minus strand), MDC1-AS1 (MDC1 antisense RNA 1; plus strand). Cytogenetic location: 6p21.33.
Variant type: single nucleotide variant.
Coding change: c.3645C>A on transcript NM_014641.3 (MANE Select); coding-DNA position 3645, C replaced by A.
Protein change: p.Thr1215=; no amino-acid change (threonine 1215 retained).
Molecular consequence: synonymous variant.
Genome position (GRCh38, 1-based): chr6:30,705,538, G>T on the plus strand (C>A on the coding strand, the complement: MDC1 is on the minus strand). VCF-style: chr6-30705538-G-T. GRCh37 (hg19) VCF-style: chr6-30673315-G-T.
Identifiers: ClinVar variation 4820697 (VCV004820697.4).